The following is an entry in ClinVar:

ClinVar aggregate classification (germline): Likely benign (1 of 4 stars; one submission).

Allele frequency attached by ClinVar (database versions not stated): gnomAD 0.00002; gnomAD exomes 0.00002; TOPMed 0.00002.
gnomAD v4.1: 31 of 1,547,660 alleles (0.002%); highest among the groups gnomAD compares: Non-Finnish European, 0.0023%; no homozygotes.

Submission:

CeGaT Center for Human Genetics Tuebingen
Classification: Likely benign. Last evaluated: 2024-03-01. Review status: criteria provided, single submitter. Criteria: CeGaT Center For Human Genetics Tuebingen Variant Classification Criteria Version 2. Collection method: clinical testing. Allele origin: germline. Affected: yes. Observed: 1 variant allele.
Comment: SETD1B: PP2, BS2

NM_001353345.2(SETD1B):c.3065G>A (p.Arg1022Gln)

Gene: SETD1B (SET domain containing 1B, histone lysine methyltransferase; plus strand). Cytogenetic location: 12q24.31.
Variant type: single nucleotide variant.
Coding change: c.3065G>A on transcript NM_001353345.2 (MANE Select); coding-DNA position 3065, G replaced by A.
Protein change: p.Arg1022Gln; replaces arginine 1022 with glutamine.
Molecular consequence: missense variant.
Genome position (GRCh38, 1-based): chr12:121,817,457, G>A. VCF-style: chr12-121817457-G-A. GRCh37 (hg19) VCF-style: chr12-122255363-G-A.
Other names: short protein forms R1022Q.
Identifiers: ClinVar variation 3067473 (VCV003067473.21), dbSNP rs1239994868, ClinGen allele CA386996047.